The following is an entry in ClinVar:

NM_174936.4(PCSK9):c.79G>A (p.Gly27Ser)

Gene: PCSK9 (proprotein convertase subtilisin/kexin type 9; plus strand). Cytogenetic location: 1p32.3.
Variant type: single nucleotide variant.
Coding change: c.79G>A on transcript NM_174936.4 (MANE Select); coding-DNA position 79, G replaced by A.
Protein change: p.Gly27Ser; replaces glycine 27 with serine.
Molecular consequence: missense variant. On other transcripts: non-coding transcript variant (8), 5 prime UTR variant (1).
Genome position (GRCh38, 1-based): chr1:55,039,916, G>A. VCF-style: chr1-55039916-G-A. GRCh37 (hg19) VCF-style: chr1-55505589-G-A.
Other names: c.79G>A, p.Gly27Ser (NM_001407240.1, NM_001407241.1, NM_001407242.1 and 4 more transcripts); c.-656G>A (NM_001407246.1); short protein forms G27S.
Identifiers: ClinVar variation 3387419 (VCV003387419.1).

ClinVar aggregate classification (germline): Uncertain significance (1 of 4 stars; one submission).

Conditions:
Hypercholesterolemia, autosomal dominant, 3 (FHCL3). Also called: Familial Hypercholesterolemia, Autosomal Dominant, 3; PCSK9-Related Familial Hypercholesterolemia, Autosomal Dominant; Familial hypercholesterolemia 3. Identifiers: MedGen C1863551, MONDO:0011369, OMIM 603776.

Submission:

All of Us Research Program, National Institutes of Health
Classification: Uncertain significance for Hypercholesterolemia, autosomal dominant, 3. Last evaluated: 2024-04-25. Review status: criteria provided, single submitter. Criteria: ACMG Guidelines, 2015. Collection method: clinical testing. Allele origin: germline. Inheritance: Autosomal dominant inheritance. Observed: 1 variant allele, 1 heterozygote.
Comment: This missense variant replaces glycine with serine at codon 27 of the PCSK9 protein. Computational prediction tools indicate that this variant has a neutral impact on protein structure and function. To our knowledge, functional studies have not been reported for this variant. This variant has not been reported in individuals affected with PCSK9-related disorders in the literature. This variant has not been identified in the general population by the Genome Aggregation Database (gnomAD). The available evidence is insufficient to determine the role of this variant in disease conclusively. Therefore, this variant is classified as a Variant of Uncertain Significance.

This study involves interpretation of variants in research participants for the purpose of population health screening. Participant phenotype was not available at the time of variant classification. Additional details can be found in publication PMID: 35346344, PMCID: PMC8962531